The following is an entry in ClinVar:

NM_001142864.4(PIEZO1):c.4498C>T (p.Arg1500Trp)

Gene: PIEZO1 (piezo type mechanosensitive ion channel component 1 (Er blood group); minus strand). Cytogenetic location: 16q24.3.
Variant type: single nucleotide variant.
Coding change: c.4498C>T on transcript NM_001142864.4 (MANE Select); coding-DNA position 4498, C replaced by T.
Protein change: p.Arg1500Trp; replaces arginine 1500 with tryptophan.
Molecular consequence: missense variant.
Genome position (GRCh38, 1-based): chr16:88,723,007, G>A on the plus strand (C>T on the coding strand, the complement: PIEZO1 is on the minus strand). VCF-style: chr16-88723007-G-A. GRCh37 (hg19) VCF-style: chr16-88789415-G-A.
Other names: short protein forms R1500W.
Identifiers: ClinVar variation 4685952 (VCV004685952.1).

ClinVar aggregate classification (germline): Uncertain significance (1 of 4 stars; one submission).

gnomAD v4.1: 31 of 1,546,046 alleles (0.002%); highest among the groups gnomAD compares: Middle Eastern, 0.034%; no homozygotes.

Submission:

ARUP Laboratories, Molecular Genetics and Genomics, ARUP Laboratories
Classification: Uncertain significance. Last evaluated: 2025-07-11. Review status: criteria provided, single submitter. Criteria: ARUP Molecular Germline Variant Investigation Process 2024. Collection method: clinical testing. Allele origin: germline.
Comment: The PIEZO1 c.4498C>T; p.Arg1500Trp variant (rs778567577), to our knowledge, is not reported in the medical literature or gene specific databases. This variant is only observed on five alleles in the Genome Aggregation Database (v2.1.1), indicating it is not a common polymorphism. Computational analyses are uncertain whether this variant is neutral or deleterious (REVEL: 0.283). Due to limited information, the clinical significance of this variant is uncertain at this time.